The following is an entry in ClinVar:

ClinVar aggregate classification (germline): Uncertain significance. Review status: reviewed by expert panel (3 of 4 stars). 2 submissions from 2 submitters: Uncertain significance (1). 1 of the submissions does not count toward it. Last evaluated 2025-01-15.

Conditions:
Hereditary thrombocytopenia and hematologic cancer predisposition syndrome. Identifiers: Orphanet 71290, MedGen CN281654, MONDO:0011071.
Hereditary thrombocytopenia and hematological cancer predisposition syndrome associated with RUNX1. Also called: PLATELET DISORDER, ASPIRIN-LIKE; RUNX1 Familial Platelet Disorder with Associated Myeloid Malignancies; Familial Platelet Disorder with Propensity to Acute Myelogenous Leukemia; Familial thrombocytopenia with propensity to acute myelogenous leukemia. Identifiers: Orphanet 71290, MedGen C1832388, MeSH C563324, MONDO:0100083, OMIM 601399.

Submissions (2):

ClinGen Myeloid Malignancy Variant Curation Expert Panel
Classification: Uncertain significance for Hereditary thrombocytopenia and hematologic cancer predisposition syndrome. Last evaluated: 2025-01-15. Review status: reviewed by expert panel. Criteria: ClinGen MyeloMalig ACMG Specifications v2. Collection method: curation. Allele origin: germline. Inheritance: Autosomal dominant inheritance.
Comment: NM_001754.5(RUNX1):c.*3028T>C is a 3’UTR variant which is completely absent from all population databases with at least 20x coverage for RUNX1 (PM2_Supporting). In summary, the clinical significance of this variant is uncertain. ACMG/AMP criteria applied, as specified by the Myeloid Malignancy Variant Curation Expert Panel for RUNX1: PM2_supporting.

Illumina Laboratory Services, Illumina
Classification: Uncertain significance for Hereditary thrombocytopenia and hematological cancer predisposition syndrome associated with RUNX1. Last evaluated: 2018-01-12. Review status: criteria provided, single submitter. Criteria: ICSL Variant Classification Criteria 13 December 2019. Collection method: clinical testing. Allele origin: germline. Not counted in ClinVar's aggregate classification.

NM_001754.5(RUNX1):c.*3028T>C

Gene: RUNX1 (RUNX family transcription factor 1; minus strand). Cytogenetic location: 21q22.12.
Variant type: single nucleotide variant.
Coding change: c.*3028T>C on transcript NM_001754.5 (MANE Select); 3028 bases downstream of the stop codon, T replaced by C.
Molecular consequence: 3 prime UTR variant.
Genome position (GRCh38, 1-based): chr21:34,789,107, A>G on the plus strand (T>C on the coding strand, the complement: RUNX1 is on the minus strand). VCF-style: chr21-34789107-A-G. GRCh37 (hg19) VCF-style: chr21-36161404-A-G.
Other names: c.*3028T>C (NM_001001890.3).
Identifiers: ClinVar variation 898729 (VCV000898729.6), dbSNP rs1601327092, ClinGen allele CA1139666830.